The following is an entry in ClinVar:

ClinVar aggregate classification (germline): Uncertain significance (1 of 4 stars; one submission).

Conditions:
Deafness-encephaloneuropathy-obesity-valvulopathy syndrome. Identifiers: Orphanet 254898, MedGen C3553354, MONDO:0013837, OMIM 614651.

gnomAD v4.1: 2 of 1,596,692 alleles (0.00013%); highest among the groups gnomAD compares: East Asian, 0.0022%; no homozygotes.

Submission:

3billion
Classification: Uncertain significance for Deafness-encephaloneuropathy-obesity-valvulopathy syndrome. Last evaluated: 2025-10-30. Review status: criteria provided, single submitter. Criteria: ACMG Guidelines, 2015. Collection method: clinical testing. Allele origin: germline. Affected: yes.
Comment: The variant is observed at an extremely low frequency in the gnomAD v4.1.0 dataset (total allele frequency: <0.001%). Predicted Consequence/Location: Intron variant In silico tools predict the variant to alter splicing and produce an abnormal transcript [SpliceAI: 0.30 (>=0.2, moderate evidence for spliceogenicity)]. Therefore, this variant is classified as VUS according to the recommendation of ACMG/AMP guideline.

NM_014317.5(PDSS1):c.912+5G>A

Gene: PDSS1 (decaprenyl diphosphate synthase subunit 1; plus strand). Cytogenetic location: 10p12.1.
Variant type: single nucleotide variant.
Coding change: c.912+5G>A on transcript NM_014317.5 (MANE Select); 5 bases into the intron after coding-DNA position 912, G replaced by A.
Molecular consequence: intron variant.
Genome position (GRCh38, 1-based): chr10:26,735,325, G>A. VCF-style: chr10-26735325-G-A. GRCh37 (hg19) VCF-style: chr10-27024254-G-A.
Other names: c.402+5G>A (NM_001321979.2); c.836-7172G>A (NM_001321978.2).
Identifiers: ClinVar variation 4854826 (VCV004854826.1).